The following is an entry in ClinVar:

NM_000091.5(COL4A3):c.3825C>T (p.His1275=)

Genes: COL4A3 (collagen type IV alpha 3 chain; plus strand), MFF-DT (MFF divergent transcript; minus strand). Cytogenetic location: 2q36.3.
Variant type: single nucleotide variant.
Coding change: c.3825C>T on transcript NM_000091.5 (MANE Select); coding-DNA position 3825, C replaced by T.
Protein change: p.His1275=; no amino-acid change (histidine 1275 retained).
Molecular consequence: synonymous variant.
Genome position (GRCh38, 1-based): chr2:227,298,755, C>T. VCF-style: chr2-227298755-C-T. GRCh37 (hg19) VCF-style: chr2-228163471-C-T.
Identifiers: ClinVar variation 594998 (VCV000594998.36), dbSNP rs143380907, ClinGen allele CA2147359.

ClinVar aggregate classification (germline): Conflicting classifications of pathogenicity. Review status: criteria provided, conflicting classifications (1 of 4 stars). 8 submissions from 8 submitters: Uncertain significance (2); Benign (2); Likely benign (3). 1 of the submissions does not count toward it. Last evaluated 2026-01-17.

Conditions:
Alport syndrome. Also called: Hemorrhagic familial nephritis; Hemorrhagic hereditary nephritis; Congenital hereditary hematuria. Identifiers: Orphanet 63, MedGen C1567741, MONDO:0018965.
Autosomal dominant Alport syndrome (ATS3A). Also called: ALPORT SYNDROME 3A, AUTOSOMAL DOMINANT; Alport syndrome dominant type; Renal failure and sensorineural hearing loss. Identifiers: Orphanet 63, Orphanet 88918, MedGen C5882663, MONDO:0007086, OMIM 104200.

Allele frequency attached by ClinVar (database versions not stated): ESP Exome Variant Server 0.00125; 1000 Genomes Project 0.00140; TOPMed 0.00154; 1000 Genomes Project 30x 0.00156.
gnomAD v4.1: 398 of 1,613,892 alleles (0.025%); highest among the groups gnomAD compares: African/African-American, 0.49%; no homozygotes.

Submissions (8):

Labcorp Genetics (formerly Invitae), Labcorp
Classification: Benign. Last evaluated: 2026-01-17. Review status: criteria provided, single submitter. Criteria: Invitae Variant Classification Sherloc (09022015). Collection method: clinical testing. Allele origin: germline.

CeGaT Center for Human Genetics Tuebingen
Classification: Likely benign. Last evaluated: 2025-08-01. Review status: criteria provided, single submitter. Criteria: CeGaT Center For Human Genetics Tuebingen Variant Classification Criteria Version 2. Collection method: clinical testing. Allele origin: germline. Affected: yes. Observed: 1 variant allele.
Comment: COL4A3: BP4, BP7

Blueprint Genetics
Classification: Likely benign. Last evaluated: 2024-07-11. Review status: criteria provided, single submitter. Criteria: ACMG Guidelines, 2015. Collection method: clinical testing. Allele origin: germline.

GeneDx
Classification: Likely benign. Last evaluated: 2020-12-29. Review status: criteria provided, single submitter. Criteria: GeneDx Variant Classification Process June 2021. Collection method: clinical testing. Allele origin: germline. Affected: yes.

Illumina Laboratory Services, Illumina
Classification: Uncertain significance for Alport syndrome. Last evaluated: 2018-01-13. Review status: criteria provided, single submitter. Criteria: ICSL Variant Classification Criteria 13 December 2019. Collection method: clinical testing. Allele origin: germline.

Eurofins Ntd Llc (ga)
Classification: Uncertain significance. Last evaluated: 2017-11-28. Review status: criteria provided, single submitter. Criteria: EGL Classification Definitions 2015. Collection method: clinical testing. Allele origin: germline. Observed: 1 variant allele, 1 heterozygote.

Laboratory for Molecular Medicine, Mass General Brigham Personalized Medicine
Classification: Benign. Last evaluated: 2016-03-21. Review status: criteria provided, single submitter. Criteria: LMM Criteria. Collection method: clinical testing. Allele origin: germline. Observed: 1 variant allele.
Comment: p.His1275His in exon 43 of COL4A3: This variant is not expected to have clinical significance because it does not alter an amino acid residue, is not located wi thin the splice consensus sequence, and has been identified in 0.55% (53/9674) o f African chromosomes by the Exome Aggregation Consortium (ExAC; dbSNP rs143380907).

Natera, Inc.
Classification: Likely benign for Autosomal dominant Alport syndrome. Last evaluated: 2020-06-02. Review status: no assertion criteria provided. Collection method: clinical testing. Allele origin: germline. Not counted in ClinVar's aggregate classification.